The following is an entry in ClinVar:

NM_001367624.2(ZNF469):c.11779G>A (p.Ala3927Thr)

Gene: ZNF469 (zinc finger protein 469; plus strand). Cytogenetic location: 16q24.2.
Variant type: single nucleotide variant.
Coding change: c.11779G>A on transcript NM_001367624.2 (MANE Select); coding-DNA position 11779, G replaced by A.
Protein change: p.Ala3927Thr; replaces alanine 3927 with threonine.
Molecular consequence: missense variant.
Genome position (GRCh38, 1-based): chr16:88,439,249, G>A. VCF-style: chr16-88439249-G-A. GRCh37 (hg19) VCF-style: chr16-88505657-G-A.
Other names: NM_001127464.1:c.11695G>A; short protein forms A3927T.
Identifiers: ClinVar variation 2444635 (VCV002444635.5), dbSNP rs1179382652, ClinGen allele CA397131239.

ClinVar aggregate classification (germline): Uncertain significance. Review status: criteria provided, multiple submitters, no conflicts (2 of 4 stars). 3 submissions from 3 submitters: Uncertain significance (3). Last evaluated 2025-04-03.

Allele frequency attached by ClinVar (database versions not stated): gnomAD exomes below 0.00001.
gnomAD v4.1: 6 of 1,550,504 alleles (0.00039%); highest among the groups gnomAD compares: South Asian, 0.0012%; no homozygotes.

Submissions (3):

Women's Health and Genetics/Laboratory Corporation of America, LabCorp
Classification: Uncertain significance. Last evaluated: 2025-04-03. Review status: criteria provided, single submitter. Criteria: LabCorp Variant Classification Summary - May 2015. Collection method: clinical testing. Allele origin: germline.
Comment: Variant summary: ZNF469 c.11779G>A (p.Ala3927Thr) results in a non-conservative amino acid change in the encoded protein sequence. Two of four in-silico tools predict a benign effect of the variant on protein function. The variant allele was found at a frequency of 6.5e-06 in 153650 control chromosomes. The available data on variant occurrences in the general population are insufficient to allow any conclusion about variant significance. To our knowledge, no occurrence of c.11779G>A in individuals affected with Brittle cornea syndrome 1 and no experimental evidence demonstrating its impact on protein function have been reported. ClinVar contains an entry for this variant (Variation ID: 2444635). Based on the evidence outlined above, the variant was classified as uncertain significance.

Labcorp Genetics (formerly Invitae), Labcorp
Classification: Uncertain significance. Last evaluated: 2024-10-05. Review status: criteria provided, single submitter. Criteria: Invitae Variant Classification Sherloc (09022015). Collection method: clinical testing. Allele origin: germline.
Comment: This sequence change replaces alanine, which is neutral and non-polar, with threonine, which is neutral and polar, at codon 3899 of the ZNF469 protein (p.Ala3899Thr). This variant is present in population databases (no rsID available, gnomAD 0.004%). This variant has not been reported in the literature in individuals affected with ZNF469-related conditions. ClinVar contains an entry for this variant (Variation ID: 2444635). An algorithm developed to predict the effect of missense changes on protein structure and function (PolyPhen-2) suggests that this variant is likely to be disruptive. In summary, the available evidence is currently insufficient to determine the role of this variant in disease. Therefore, it has been classified as a Variant of Uncertain Significance.

GeneDx
Classification: Uncertain significance. Last evaluated: 2022-09-14. Review status: criteria provided, single submitter. Criteria: GeneDx Variant Classification Process June 2021. Collection method: clinical testing. Allele origin: germline. Affected: yes.
Comment: Not observed at significant frequency in large population cohorts (gnomAD); In silico analysis supports that this missense variant does not alter protein structure/function; Has not been previously published as pathogenic or benign to our knowledge